The following is an entry in ClinVar:

ClinVar aggregate classification (germline): Uncertain significance. Review status: criteria provided, multiple submitters, no conflicts (2 of 4 stars). 2 submissions from 2 submitters: Uncertain significance (2). Last evaluated 2025-08-21.

Conditions:
Developmental and epileptic encephalopathy, 14 (DEE14). Also called: Early infantile epileptic encephalopathy 14. Identifiers: Orphanet 293181, MedGen C3554195, MONDO:0013989, OMIM 614959.
Autosomal dominant nocturnal frontal lobe epilepsy 5. Also called: Epilepsy, nocturnal frontal lobe, 5; CILIARY DYSKINESIA, PRIMARY, 28, WITHOUT SITUS INVERSUS; CILIARY DYSKINESIA, PRIMARY, 28, WITH SITUS INVERSUS; KCNT1-Related Epilepsy. Identifiers: Orphanet 98784, MedGen C3554306, MONDO:0014002, OMIM 615005.

Allele frequency attached by ClinVar (database versions not stated): gnomAD 0.00001.
gnomAD v4.1: 6 of 1,556,888 alleles (0.00039%); highest among the groups gnomAD compares: Admixed American, 0.0019%; no homozygotes.

Submissions (2):

Dasa
Classification: Uncertain significance for Developmental and epileptic encephalopathy, 14. Last evaluated: 2025-08-21. Review status: criteria provided, single submitter. Criteria: DASA Assertion Criteria. Collection method: clinical testing. Allele origin: germline.
Comment: NM_020822.3(KCNT1):c.1571C>T (p.Pro524Leu) is a missense variant that results in the substitution of proline with leucine. This variant is absent from population databases. Computational prediction algorithms are consistent with a deleterious effect. The currently available literature and clinical evidence are not sufficient to establish a definitive association between this variant and the reported condition. Therefore, this variant is classified as a variant of uncertain significance.

Labcorp Genetics (formerly Invitae), Labcorp
Classification: Uncertain significance for Autosomal dominant nocturnal frontal lobe epilepsy 5; Developmental and epileptic encephalopathy, 14. Last evaluated: 2022-09-24. Review status: criteria provided, single submitter. Criteria: Invitae Variant Classification Sherloc (09022015). Collection method: clinical testing. Allele origin: germline.
Comment: This sequence change replaces proline, which is neutral and non-polar, with leucine, which is neutral and non-polar, at codon 524 of the KCNT1 protein (p.Pro524Leu). The frequency data for this variant in the population databases is considered unreliable, as metrics indicate poor data quality at this position in the gnomAD database. This variant has not been reported in the literature in individuals affected with KCNT1-related conditions. Algorithms developed to predict the effect of missense changes on protein structure and function (SIFT, PolyPhen-2, Align-GVGD) all suggest that this variant is likely to be disruptive. In summary, the available evidence is currently insufficient to determine the role of this variant in disease. Therefore, it has been classified as a Variant of Uncertain Significance.

NM_020822.3(KCNT1):c.1571C>T (p.Pro524Leu)

Gene: KCNT1 (potassium sodium-activated channel subfamily T member 1; plus strand). Cytogenetic location: 9q34.3.
Variant type: single nucleotide variant.
Coding change: c.1571C>T on transcript NM_020822.3 (MANE Select); coding-DNA position 1571, C replaced by T.
Protein change: p.Pro524Leu; replaces proline 524 with leucine.
Molecular consequence: missense variant.
Genome position (GRCh38, 1-based): chr9:135,770,007, C>T. VCF-style: chr9-135770007-C-T. GRCh37 (hg19) VCF-style: chr9-138661853-C-T.
Other names: c.1436C>T, p.Pro479Leu (NM_001272003.2); short protein forms P479L, P524L.
Identifiers: ClinVar variation 2418098 (VCV002418098.10), dbSNP rs1490595176, ClinGen allele CA375505964.